The following is an entry in ClinVar:

NM_031407.7(HUWE1):c.11268C>T (p.Gly3756=)

Gene: HUWE1 (HECT, UBA and WWE domain containing E3 ubiquitin protein ligase 1; minus strand). Cytogenetic location: Xp11.22.
Variant type: single nucleotide variant.
Coding change: c.11268C>T on transcript NM_031407.7 (MANE Select); coding-DNA position 11268, C replaced by T.
Protein change: p.Gly3756=; no amino-acid change (glycine 3756 retained).
Molecular consequence: synonymous variant.
Genome position (GRCh38, 1-based): chrX:53,543,952, G>A on the plus strand (C>T on the coding strand, the complement: HUWE1 is on the minus strand). VCF-style: chrX-53543952-G-A. GRCh37 (hg19) VCF-style: chrX-53570913-G-A.
Identifiers: ClinVar variation 2579820 (VCV002579820.2), dbSNP rs2522821295, ClinGen allele CA516428027.

ClinVar aggregate classification (germline): Uncertain significance (1 of 4 stars; one submission).

Allele frequency attached by ClinVar (database versions not stated): gnomAD exomes below 0.00001.
gnomAD v4.1: 1 of 1,205,343 alleles (0.000083%); highest among the groups gnomAD compares: Non-Finnish European, 0.00011%; no homozygotes.

Submission:

GeneDx
Classification: Uncertain significance. Last evaluated: 2026-03-23. Review status: criteria provided, single submitter. Criteria: GeneDx Variant Classification Process June 2021. Collection method: clinical testing. Allele origin: germline.
Comment: Not observed at significant frequency in large population cohorts (gnomAD); In silico analysis suggests that this variant does not alter splicing; Has not been previously published as pathogenic or benign to our knowledge